The following is an entry in ClinVar:

ClinVar aggregate classification (germline): Uncertain significance (1 of 4 stars; one submission).

Conditions:
Infantile spasms. Also called: Infantile spasm. Identifiers: MedGen C3887898, HP:0012469.

Allele frequency attached by ClinVar (database versions not stated): TOPMed 0.00004.
gnomAD v4.1: 13 of 1,603,404 alleles (0.00081%); highest among the groups gnomAD compares: East Asian, 0.0067%; no homozygotes.

Submission:

Labcorp Genetics (formerly Invitae), Labcorp
Classification: Uncertain significance for Infantile spasms. Last evaluated: 2025-01-30. Review status: criteria provided, single submitter. Criteria: Invitae Variant Classification Sherloc (09022015). Collection method: clinical testing. Allele origin: germline.
Comment: This sequence change replaces arginine, which is basic and polar, with cysteine, which is neutral and slightly polar, at codon 729 of the PIK3AP1 protein (p.Arg729Cys). The frequency data for this variant in the population databases is considered unreliable, as metrics indicate poor data quality at this position in the gnomAD database. This variant has not been reported in the literature in individuals affected with PIK3AP1-related conditions. ClinVar contains an entry for this variant (Variation ID: 963129). An algorithm developed to predict the effect of missense changes on protein structure and function (PolyPhen-2) suggests that this variant is likely to be disruptive. In summary, the available evidence is currently insufficient to determine the role of this variant in disease. Therefore, it has been classified as a Variant of Uncertain Significance.

NM_152309.3(PIK3AP1):c.2185C>T (p.Arg729Cys)

Gene: PIK3AP1 (phosphoinositide-3-kinase adaptor protein 1; minus strand). Cytogenetic location: 10q24.1.
Variant type: single nucleotide variant.
Coding change: c.2185C>T on transcript NM_152309.3 (MANE Select); coding-DNA position 2185, C replaced by T.
Protein change: p.Arg729Cys; replaces arginine 729 with cysteine.
Molecular consequence: missense variant.
Genome position (GRCh38, 1-based): chr10:96,604,035, G>A on the plus strand (C>T on the coding strand, the complement: PIK3AP1 is on the minus strand). VCF-style: chr10-96604035-G-A. GRCh37 (hg19) VCF-style: chr10-98363792-G-A.
Other names: short protein forms R729C.
Identifiers: ClinVar variation 963129 (VCV000963129.10), dbSNP rs745636219, ClinGen allele CA5626032.